The following is an entry in ClinVar:

ClinVar aggregate classification (germline): Uncertain significance. Review status: criteria provided, multiple submitters, no conflicts (2 of 4 stars). 3 submissions from 3 submitters: Uncertain significance (2). 1 of the submissions does not count toward it. Last evaluated 2025-01-30.

Conditions:
Alstrom syndrome (ALMS). Identifiers: Orphanet 64, MedGen C0268425, MONDO:0008763, OMIM 203800.

gnomAD v4.1: 3 of 1,605,256 alleles (0.00019%); highest among the groups gnomAD compares: Non-Finnish European, 0.000085%; no homozygotes.

Submissions (3):

Labcorp Genetics (formerly Invitae), Labcorp
Classification: Uncertain significance for Alstrom syndrome. Last evaluated: 2025-01-30. Review status: criteria provided, single submitter. Criteria: Invitae Variant Classification Sherloc (09022015). Collection method: clinical testing. Allele origin: germline.
Comment: This sequence change replaces serine, which is neutral and polar, with arginine, which is basic and polar, at codon 734 of the ALMS1 protein (p.Ser734Arg). This variant is not present in population databases (gnomAD no frequency). This variant has not been reported in the literature in individuals affected with ALMS1-related conditions. ClinVar contains an entry for this variant (Variation ID: 928814). Experimental studies and prediction algorithms are not available or were not evaluated, and the functional significance of this variant is currently unknown. In summary, the available evidence is currently insufficient to determine the role of this variant in disease. Therefore, it has been classified as a Variant of Uncertain Significance.

Women's Health and Genetics/Laboratory Corporation of America, LabCorp
Classification: Uncertain significance. Last evaluated: 2019-03-12. Review status: criteria provided, single submitter. Criteria: LabCorp Variant Classification Summary - May 2015. Collection method: clinical testing. Allele origin: germline.
Comment: Variant summary: ALMS1 c.2196T>A (p.Ser732Arg, also known as c.2202T>A ) results in a non-conservative amino acid change located in the Alstrom syndrome repeat domain (IPR040972) of the encoded protein sequence. Three of five in-silico tools predict a benign effect of the variant on protein function. The variant was absent in 276512 control chromosomes. The available data on variant occurrences in the general population are insufficient to allow any conclusion about variant significance. To our knowledge, no occurrence of c.2196T>A in individuals affected with Cardiomyopathy/Alstrom syndrome and no experimental evidence demonstrating its impact on protein function have been reported. No clinical diagnostic laboratories have submitted clinical-significance assessments for this variant to ClinVar after 2014. Based on the evidence outlined above, the variant was classified as uncertain significance.

Natera, Inc.
Classification: Uncertain significance for Alstrom syndrome. Last evaluated: 2020-12-11. Review status: no assertion criteria provided. Collection method: clinical testing. Allele origin: germline. Not counted in ClinVar's aggregate classification.

NM_001378454.1(ALMS1):c.2199T>A (p.Ser733Arg)

Gene: ALMS1 (ALMS1 centrosome and basal body associated protein; plus strand). Cytogenetic location: 2p13.1.
Variant type: single nucleotide variant.
Coding change: c.2199T>A on transcript NM_001378454.1 (MANE Select); coding-DNA position 2199, T replaced by A.
Protein change: p.Ser733Arg; replaces serine 733 with arginine.
Molecular consequence: missense variant.
Genome position (GRCh38, 1-based): chr2:73,448,726, T>A. VCF-style: chr2-73448726-T-A. GRCh37 (hg19) VCF-style: chr2-73675853-T-A.
Other names: c.2202T>A, p.Ser734Arg (NM_015120.4); short protein forms S733R, S734R.
Identifiers: ClinVar variation 928814 (VCV000928814.6), dbSNP rs1671860790, ClinGen allele CA347267188.